The following is an entry in ClinVar:

ClinVar aggregate classification (germline): Uncertain significance (1 of 4 stars; one submission).

Conditions:
Spondyloepimetaphyseal dysplasia, PAPSS2 type. Also called: BRACHYOLMIA TYPE 4 WITH MILD EPIPHYSEAL AND METAPHYSEAL CHANGES; SPONDYLODYSPLASIA AND PREMATURE PUBARCHE; SEMD, PAKISTANI TYPE. Identifiers: Orphanet 93282, MedGen C2748516, MONDO:0019666, OMIM 612847.

Allele frequency attached by ClinVar (database versions not stated): gnomAD exomes below 0.00001; ExAC 0.00001; TOPMed 0.00001.
gnomAD v4.1: 2 of 1,580,994 alleles (0.00013%); highest among the groups gnomAD compares: Non-Finnish European, 0.00017%; no homozygotes.

Submission:

Labcorp Genetics (formerly Invitae), Labcorp
Classification: Uncertain significance for Spondyloepimetaphyseal dysplasia, PAPSS2 type. Last evaluated: 2022-07-19. Review status: criteria provided, single submitter. Criteria: Invitae Variant Classification Sherloc (09022015). Collection method: clinical testing. Allele origin: germline.
Comment: ClinVar contains an entry for this variant (Variation ID: 1384011). This variant has not been reported in the literature in individuals affected with PAPSS2-related conditions. This variant is present in population databases (rs754474933, gnomAD 0.003%). This sequence change replaces threonine, which is neutral and polar, with isoleucine, which is neutral and non-polar, at codon 176 of the PAPSS2 protein (p.Thr176Ile). Algorithms developed to predict the effect of missense changes on protein structure and function are either unavailable or do not agree on the potential impact of this missense change (SIFT: "Deleterious"; PolyPhen-2: "Probably Damaging"; Align-GVGD: "Class C0"). In summary, the available evidence is currently insufficient to determine the role of this variant in disease. Therefore, it has been classified as a Variant of Uncertain Significance.

NM_001015880.2(PAPSS2):c.527C>T (p.Thr176Ile)

Gene: PAPSS2 (3'-phosphoadenosine 5'-phosphosulfate synthase 2; plus strand). Cytogenetic location: 10q23.31.
Variant type: single nucleotide variant.
Coding change: c.527C>T on transcript NM_001015880.2 (MANE Select); coding-DNA position 527, C replaced by T.
Protein change: p.Thr176Ile; replaces threonine 176 with isoleucine.
Molecular consequence: missense variant.
Genome position (GRCh38, 1-based): chr10:87,714,751, C>T. VCF-style: chr10-87714751-C-T. GRCh37 (hg19) VCF-style: chr10-89474508-C-T.
Other names: c.527C>T, p.Thr176Ile (NM_004670.4); short protein forms T176I.
Identifiers: ClinVar variation 1384011 (VCV001384011.6), dbSNP rs754474933, ClinGen allele CA5589484.
Genomic context (GRCh38, chr10:87,714,751, plus strand): 5'-AAAAGATTATTCTGTCAATACAGATGCGATGATTGTCACCCATATGCTTTGCAGGATTTA[C>T]AGGTATTGATTCTGATTATGAGAAACCTGAAACTCCTGAGCGTGTGCTTAAAACCAATTT-3'
Protein context (NP_001015880.1, residues 166-186): RARAGEIKGF[Thr176Ile]GIDSDYEKPE